The following is an entry in ClinVar:

NM_000143.4(FH):c.1138dup (p.Met380fs)

Gene: FH (fumarate hydratase; minus strand). Cytogenetic location: 1q43.
Variant type: Duplication.
Coding change: c.1138dup on transcript NM_000143.4 (MANE Select); coding-DNA position 1138, one base duplicated (A; older notation c.1138dupA).
Protein change: p.Met380fs; shifts the reading frame from methionine 380.
Molecular consequence: frameshift variant.
Genome position (GRCh38, 1-based): chr1:241,502,541, T duplicated on the plus strand (A on the coding strand, the reverse complement: FH is on the minus strand); the first of 2 consecutive T bases (chr1:241,502,541-241,502,542); duplicating either gives the same sequence. VCF-style (leftmost placement, unchanged base first): chr1-241502540-A-AT. GRCh37 (hg19) VCF-style: chr1-241665840-A-AT.
Other names: c.1138dupA (NM_000143.3); short protein forms M380fs.
Identifiers: ClinVar variation 393579 (VCV000393579.15), dbSNP rs781466938, ClinGen allele CA1478537.

ClinVar aggregate classification (germline): Pathogenic. Review status: criteria provided, multiple submitters, no conflicts (2 of 4 stars). 5 submissions from 5 submitters: Pathogenic (5). Last evaluated 2025-03-26.

Conditions:
Hereditary leiomyomatosis and renal cell cancer. Also called: LEIOMYOMA, MULTIPLE CUTANEOUS; MULTIPLE CUTANEOUS AND UTERINE LEIOMYOMATA 1, WITH OR WITHOUT RENAL CELL CARCINOMA; Reed syndrome; Multiple cutaneous and uterine leiomyomatosis; Cutaneous leiomyomata with uterine leiomyomata; Leiomyoma, hereditary multiple, of skin. Identifiers: Orphanet 523, MedGen C1708350, MONDO:0007888, OMIM 150800, HP:0007437. Disease mechanism: loss of function.
Hereditary cancer-predisposing syndrome. Also called: Neoplastic Syndromes, Hereditary; Hereditary Cancer Syndrome; Hereditary neoplastic syndrome; Tumor predisposition. Identifiers: Orphanet 140162, MedGen C0027672, MeSH D009386, MONDO:0015356.

Submissions (5):

Labcorp Genetics (formerly Invitae), Labcorp
Classification: Pathogenic. Last evaluated: 2025-03-26. Review status: criteria provided, single submitter. Criteria: Invitae Variant Classification Sherloc (09022015). Collection method: clinical testing. Allele origin: germline.
Comment: This sequence change creates a premature translational stop signal (p.Met380Asnfs*25) in the FH gene. It is expected to result in an absent or disrupted protein product. Loss-of-function variants in FH are known to be pathogenic (PMID: 11865300, 21398687). This variant is present in population databases (rs781466938, gnomAD 0.0009%). This premature translational stop signal has been observed in individual(s) with uterine leiomyomas and hereditary leiomyomatosis and renal cell carcinoma (PMID: 23211287, 24441663). This variant is also known as InsA1010 FS337. ClinVar contains an entry for this variant (Variation ID: 393579). For these reasons, this variant has been classified as Pathogenic.

Ambry Genetics
Classification: Pathogenic for Hereditary cancer-predisposing syndrome. Last evaluated: 2024-09-22. Review status: criteria provided, single submitter. Criteria: Ambry Variant Classification Scheme 2023. Collection method: clinical testing. Allele origin: germline.
Comment: The c.1138dupA pathogenic mutation, located in coding exon 8 of the FH gene, results from a duplication of A at nucleotide position 1138, causing a translational frameshift with a predicted alternate stop codon (p.M380Nfs*25). This mutation has been reported in individuals with features consistent with Hereditary leiomyomatosis and renal cell cancer (Sanz-Ortega J et al. Am. J. Surg. Pathol. 2013 Jan;37:74-80; Chen YB et al. Am. J. Surg. Pathol. 2014 May;38:627-37; Ambry internal data). Of note, this variant is also designated as InsA1010 and c.1138insA in published literature. In addition to the clinical data presented in the literature, this alteration is expected to result in loss of function by premature protein truncation or nonsense-mediated mRNA decay. As such, this alteration is interpreted as a disease-causing mutation.

Myriad Genetics, Inc.
Classification: Pathogenic for Hereditary leiomyomatosis and renal cell cancer. Last evaluated: 2024-03-12. Review status: criteria provided, single submitter. Criteria: Myriad Autosomal Dominant, Autosomal Recessive and X-Linked Classification Criteria (2023). Collection method: clinical testing. Allele origin: unknown.
Comment: This variant is considered pathogenic. This variant creates a frameshift predicted to result in premature protein truncation.

Quest Diagnostics Nichols Institute San Juan Capistrano
Classification: Pathogenic. Last evaluated: 2023-12-22. Review status: criteria provided, single submitter. Criteria: Quest Diagnostics criteria. Collection method: clinical testing. Allele origin: unknown.
Comment: The FH c.1138dup (p.Met380Asnfs*25) variant (also known as InsA1010) alters the translational reading frame of the FH mRNA and causes the premature termination of FH protein synthesis. This variant has been reported in the published literature in individuals with hereditary leiomyomatosis and renal cell carcinoma (HLRCC) (PMID: 23211287 (2013), 24441663 (2014)) and individuals with kidney renal papillary cell carcinoma (KIRP) (PMID: 29625052 (2018), 36451132 (2022)). The frequency of this variant in the general population, 0.000004 (1/251412 chromosomes (Genome Aggregation Database)), is consistent with pathogenicity. Based on the available information, this variant is classified as pathogenic.

Genomic Diagnostic Laboratory, Division of Genomic Diagnostics, Children's Hospital of Philadelphia
Classification: Pathogenic for Hereditary leiomyomatosis and renal cell cancer. Last evaluated: 2017-01-17. Review status: criteria provided, single submitter. Criteria: DGD Variant Analysis Guidelines. Collection method: clinical testing. Allele origin: germline. Affected: yes. Observed: 3 variant alleles.
Comment: Clinical Testing

Literature cited by the submitters: PubMed 11865300 (cited by Labcorp Genetics (formerly Invitae), Labcorp); PubMed 21398687 (cited by Labcorp Genetics (formerly Invitae), Labcorp); PubMed 23211287 (cited by 3 submitters); PubMed 24441663 (cited by 3 submitters); PubMed 29625052 (cited by Quest Diagnostics Nichols Institute San Juan Capistrano); PubMed 36451132 (cited by Quest Diagnostics Nichols Institute San Juan Capistrano).